The following is an entry in ClinVar:

NM_032193.4(RNASEH2C):c.371C>T (p.Ala124Val)

Gene: RNASEH2C (ribonuclease H2 subunit C; minus strand). Cytogenetic location: 11q13.1.
Variant type: single nucleotide variant.
Coding change: c.371C>T on transcript NM_032193.4 (MANE Select); coding-DNA position 371, C replaced by T.
Protein change: p.Ala124Val; replaces alanine 124 with valine.
Molecular consequence: missense variant.
Genome position (GRCh38, 1-based): chr11:65,720,142, G>A on the plus strand (C>T on the coding strand, the complement: RNASEH2C is on the minus strand). VCF-style: chr11-65720142-G-A. GRCh37 (hg19) VCF-style: chr11-65487613-G-A.
Other names: short protein forms A124V.
Identifiers: ClinVar variation 1371475 (VCV001371475.5), dbSNP rs751248914, ClinGen allele CA6107699.

ClinVar aggregate classification (germline): Uncertain significance (1 of 4 stars; one submission).

Conditions:
Aicardi-Goutieres syndrome 3. Identifiers: Orphanet 51, MedGen C1835916, MONDO:0012471, OMIM 610329.

Allele frequency attached by ClinVar (database versions not stated): gnomAD exomes below 0.00001 and 0.00002; gnomAD 0.00001; TOPMed 0.00002; ExAC 0.00003.
gnomAD v4.1: 6 of 1,614,110 alleles (0.00037%); highest among the groups gnomAD compares: Middle Eastern, 0.033%; no homozygotes.

Submission:

Labcorp Genetics (formerly Invitae), Labcorp
Classification: Uncertain significance for Aicardi-Goutieres syndrome 3. Last evaluated: 2022-08-23. Review status: criteria provided, single submitter. Criteria: Invitae Variant Classification Sherloc (09022015). Collection method: clinical testing. Allele origin: germline.
Comment: This sequence change replaces alanine, which is neutral and non-polar, with valine, which is neutral and non-polar, at codon 124 of the RNASEH2C protein (p.Ala124Val). This variant is present in population databases (rs751248914, gnomAD 0.004%). This variant has not been reported in the literature in individuals affected with RNASEH2C-related conditions. ClinVar contains an entry for this variant (Variation ID: 1371475). Algorithms developed to predict the effect of missense changes on protein structure and function are either unavailable or do not agree on the potential impact of this missense change (SIFT: "Tolerated"; PolyPhen-2: "Possibly Damaging"; Align-GVGD: "Class C0"). In summary, the available evidence is currently insufficient to determine the role of this variant in disease. Therefore, it has been classified as a Variant of Uncertain Significance.